The following is an entry in ClinVar:

NM_002386.4(MC1R):c.445G>T (p.Ala149Ser)

Gene: MC1R (melanocortin 1 receptor; plus strand). Cytogenetic location: 16q24.3.
Variant type: single nucleotide variant.
Coding change: c.445G>T on transcript NM_002386.4 (MANE Select); coding-DNA position 445, G replaced by T.
Protein change: p.Ala149Ser; replaces alanine 149 with serine.
Molecular consequence: missense variant.
Genome position (GRCh38, 1-based): chr16:89,919,703, G>T. VCF-style: chr16-89919703-G-T. GRCh37 (hg19) VCF-style: chr16-89986111-G-T.
Other names: short protein forms A149S.
Identifiers: ClinVar variation 4859665 (VCV004859665.1).

ClinVar aggregate classification (germline): Uncertain significance (1 of 4 stars; one submission).

Submission:

Ambry Genetics
Classification: Uncertain significance. Last evaluated: 2026-04-28. Review status: criteria provided, single submitter. Criteria: Ambry Variant Classification Scheme 2023. Collection method: clinical testing. Allele origin: germline.
Comment: The p.A149S variant (also known as c.445G>T), located in coding exon 1 of the MC1R gene, results from a G to T substitution at nucleotide position 445. The alanine at codon 149 is replaced by serine, an amino acid with similar properties. This amino acid position is conserved. In addition, this alteration is predicted to be tolerated by in silico analysis. Based on the available evidence, the clinical significance of this variant remains unclear.